The following is an entry in ClinVar:

ClinVar aggregate classification (germline): Uncertain significance. Review status: criteria provided, multiple submitters, no conflicts (2 of 4 stars). 2 submissions from 2 submitters: Uncertain significance (2). Last evaluated 2024-03-01.

Conditions:
Inborn genetic diseases. Identifiers: MedGen C0950123, MeSH D030342.
Sulfite oxidase deficiency due to molybdenum cofactor deficiency type C. Also called: Molybdenum cofactor deficiency, complementation group C; Molybdenum cofactor deficiency C. Identifiers: Orphanet 308400, Orphanet 833, MedGen C1854990, MONDO:0014212, OMIM 615501.

Allele frequency attached by ClinVar (database versions not stated): gnomAD exomes below 0.00001 and 0.00001; TOPMed below 0.00001; ExAC 0.00001; gnomAD 0.00001; 1000 Genomes Project 30x 0.00016; 1000 Genomes Project 0.00020.
gnomAD v4.1: 4 of 1,612,218 alleles (0.00025%); highest among the groups gnomAD compares: East Asian, 0.0067%; no homozygotes.

Submissions (2):

Ambry Genetics
Classification: Uncertain significance for Inborn genetic diseases. Last evaluated: 2024-03-01. Review status: criteria provided, single submitter. Criteria: Ambry Variant Classification Scheme 2023. Collection method: clinical testing. Allele origin: germline.

Labcorp Genetics (formerly Invitae), Labcorp
Classification: Uncertain significance for Sulfite oxidase deficiency due to molybdenum cofactor deficiency type C. Last evaluated: 2022-07-26. Review status: criteria provided, single submitter. Criteria: Invitae Variant Classification Sherloc (09022015). Collection method: clinical testing. Allele origin: germline.
Comment: In summary, the available evidence is currently insufficient to determine the role of this variant in disease. Therefore, it has been classified as a Variant of Uncertain Significance. Algorithms developed to predict the effect of missense changes on protein structure and function (SIFT, PolyPhen-2, Align-GVGD) all suggest that this variant is likely to be tolerated. ClinVar contains an entry for this variant (Variation ID: 1420041). This variant has not been reported in the literature in individuals affected with GPHN-related conditions. This variant is present in population databases (rs528992608, gnomAD 0.02%). This sequence change replaces glutamine, which is neutral and polar, with arginine, which is basic and polar, at codon 260 of the GPHN protein (p.Gln260Arg).

NM_020806.5(GPHN):c.779A>G (p.Gln260Arg)

Gene: GPHN (gephyrin; plus strand). Cytogenetic location: 14q23.3.
Variant type: single nucleotide variant.
Coding change: c.779A>G on transcript NM_020806.5 (MANE Select); coding-DNA position 779, A replaced by G.
Protein change: p.Gln260Arg; replaces glutamine 260 with arginine.
Molecular consequence: missense variant. On other transcripts: intron variant (7).
Genome position (GRCh38, 1-based): chr14:66,924,243, A>G. VCF-style: chr14-66924243-A-G. GRCh37 (hg19) VCF-style: chr14-67390960-A-G.
Other names: c.768+1305A>G (NM_001377514.1, NM_001377519.1); c.729+1305A>G (NM_001377515.1, NM_001377516.1, NM_001377518.1 and 2 more transcripts); c.779A>G (NM_020806.4); short protein forms Q260R.
Identifiers: ClinVar variation 1420041 (VCV001420041.9), dbSNP rs528992608, ClinGen allele CA7233829.